The following is an entry in ClinVar:

NM_000321.3(RB1):c.1024del (p.Thr342fs)

Gene: RB1 (RB transcriptional corepressor 1; plus strand). Cytogenetic location: 13q14.2.
Variant type: Deletion.
Coding change: c.1024del on transcript NM_000321.3 (MANE Select); coding-DNA position 1024, one base deleted (A; older notation c.1024delA).
Protein change: p.Thr342fs; shifts the reading frame from threonine 342.
Molecular consequence: frameshift variant.
Genome position (GRCh38, 1-based): chr13:48,367,578, A deleted; the last of 4 consecutive A bases (chr13:48,367,575-48,367,578); deleting any one gives the same sequence. VCF-style (leftmost placement, unchanged base first): chr13-48367574-TA-T. GRCh37 (hg19) VCF-style: chr13-48941710-TA-T.
Other names: L11910:g.64414delA; c.1024delA (NM_000321.2); short protein forms T342fs.
Identifiers: ClinVar variation 126826 (VCV000126826.7), dbSNP rs587778844, ClinGen allele CA026358.

ClinVar aggregate classification (germline): Pathogenic. Review status: criteria provided, multiple submitters, no conflicts (2 of 4 stars). 2 submissions from 2 submitters: Pathogenic (2). Last evaluated 2024-05-20.

Conditions:
Hereditary cancer-predisposing syndrome. Also called: Neoplastic Syndromes, Hereditary; Hereditary Cancer Syndrome; Tumor predisposition; Hereditary neoplastic syndrome. Identifiers: Orphanet 140162, MedGen C0027672, MeSH D009386, MONDO:0015356.
Retinoblastoma (RB1). Also called: RETINOBLASTOMA, SOMATIC. Identifiers: Orphanet 790, MedGen C0035335, MeSH D012175, MONDO:0008380, OMIM 180200, HP:0009919. Disease mechanism: loss of function. Inheritance: Both sporadic and heritable forms are tested..

Submissions (2):

Genetic Diagnostic Laboratory, University of Pennsylvania School of Medicine
Classification: Pathogenic for Retinoblastoma. Last evaluated: 2024-05-20. Review status: criteria provided, single submitter. Criteria: ACMG Guidelines, 2015. Collection method: clinical testing. Allele origin: germline. Affected: yes. Observed: 1 variant allele.
Comment: Case and Pedigree Information: BILATERAL CASES:1, UNILATERAL CASES:0, TOTAL CASES:1, PEDIGREES:1. ACMG Codes Applied:PVS1, PM2

Ambry Genetics
Classification: Pathogenic for Hereditary cancer-predisposing syndrome. Last evaluated: 2016-04-18. Review status: criteria provided, single submitter. Criteria: Ambry Variant Classification Scheme 2023. Collection method: clinical testing. Allele origin: germline.
Comment: The c.1024delA pathogenic mutation, located in coding exon 10 of the RB1 gene, results from a deletion of one nucleotide at nucleotide position 1024, causing a translational frameshift with a predicted alternate stop codon. This alteration has been detected in multiple individuals and families diagnosed with retinoblastoma (Houdayer C et al. Hum. Mutat. 2004 Feb;23(2):193-202; Taylor M et al. Hum. Mutat. 2007 Mar;28(3):284-93). In addition to the information presented in the literature, since frameshifts are typically deleterious in nature, this alteration is interpreted as a disease-causing mutation (ACMG Recommendations for Standards for Interpretation and Reporting of Sequence Variations. Revision 2007. Genet Med. 2008;10:294).

Literature cited by the submitters: PubMed 14722923 (cited by Ambry Genetics); PubMed 17096365 (cited by Ambry Genetics).